The following is an entry in ClinVar:

NM_001367943.1(TCF7L2):c.1569C>T (p.Asp523=)

Gene: TCF7L2 (transcription factor 7 like 2; plus strand). Cytogenetic location: 10q25.3.
Variant type: single nucleotide variant.
Coding change: c.1569C>T on transcript NM_001367943.1 (MANE Select); coding-DNA position 1569, C replaced by T.
Protein change: p.Asp523=; no amino-acid change (aspartic acid 523 retained).
Molecular consequence: synonymous variant. On other transcripts: 3 prime UTR variant (12).
Genome position (GRCh38, 1-based): chr10:113,165,681, C>T. VCF-style: chr10-113165681-C-T. GRCh37 (hg19) VCF-style: chr10-114925440-C-T.
Other names: c.1518C>T, p.Asp506= (NM_001146274.2); c.*47C>T (NM_001146283.2, NM_001146284.2, NM_001146286.2 and 4 more transcripts); c.1449C>T, p.Asp483= (NM_001146285.2, NM_001198526.2); c.*157C>T (NM_001198525.2); c.*145C>T (NM_001198527.2, NM_001198528.2, NM_001349870.2 and 1 more transcripts); c.1500C>T, p.Asp500= (NM_030756.5).
Identifiers: ClinVar variation 3905207 (VCV003905207.10).

ClinVar aggregate classification (germline): Likely benign (1 of 4 stars; one submission).

gnomAD v4.1: 31 of 1,610,450 alleles (0.0019%); highest among the groups gnomAD compares: Non-Finnish European, 0.0023%; no homozygotes.

Submission:

CeGaT Center for Human Genetics Tuebingen
Classification: Likely benign. Last evaluated: 2025-05-01. Review status: criteria provided, single submitter. Criteria: CeGaT Center For Human Genetics Tuebingen Variant Classification Criteria Version 2. Collection method: clinical testing. Allele origin: germline. Affected: yes. Observed: 1 variant allele.
Comment: TCF7L2: BP4